The following is an entry in ClinVar:

NM_001148.6(ANK2):c.10915A>C (p.Lys3639Gln)

Gene: ANK2 (ankyrin 2; plus strand). Cytogenetic location: 4q26.
Variant type: single nucleotide variant.
Coding change: c.10915A>C on transcript NM_001148.6 (MANE Select); coding-DNA position 10915, A replaced by C.
Protein change: p.Lys3639Gln; replaces lysine 3639 with glutamine.
Molecular consequence: missense variant.
Genome position (GRCh38, 1-based): chr4:113,365,065, A>C. VCF-style: chr4-113365065-A-C. GRCh37 (hg19) VCF-style: chr4-114286221-A-C.
Other names: c.4633A>C, p.Lys1545Gln (NM_001127493.3); c.4672A>C, p.Lys1558Gln (NM_001354225.2); c.4561A>C, p.Lys1521Gln (NM_001354228.2, NM_001354258.2); c.4639A>C, p.Lys1547Gln (NM_001354230.2); c.4702A>C, p.Lys1568Gln (NM_001354231.2, NM_001354242.2); c.4696A>C, p.Lys1566Gln (NM_001354232.2); c.4657A>C, p.Lys1553Gln (NM_001354235.2, NM_001354246.2, NM_001354265.2); c.4558A>C, p.Lys1520Gln (NM_001354236.2); and 35 more; short protein forms K1393Q, K1426Q, K1454Q, K1459Q, K1467Q, K1476Q, K1479Q, K1481Q.
Identifiers: ClinVar variation 3390842 (VCV003390842.1).
Genomic context (GRCh38, chr4:113,365,065, plus strand): 5'-AGACATAATAAATGCTGTTTCTCTAATGTGTCAGATACCAACCTCGTTGAATGTCTCACC[A>C]AGATCAACCGAATGGATATTGTTCATCTCATGGAGACCAACACAGAACCTCTCCAGGAGC-3'
Protein context (NP_001139.3, residues 3629-3649): TDTNLVECLT[Lys3639Gln]INRMDIVHLM

ClinVar aggregate classification (germline): Uncertain significance (1 of 4 stars; one submission).

Submission:

GeneDx
Classification: Uncertain significance. Last evaluated: 2024-06-10. Review status: criteria provided, single submitter. Criteria: GeneDx Variant Classification Process June 2021. Collection method: clinical testing. Allele origin: germline. Affected: yes.
Comment: Not observed at significant frequency in large population cohorts (gnomAD); In silico analysis supports a deleterious effect on splicing; In silico analysis supports that this missense variant has a deleterious effect on protein structure/function; Has not been previously published as pathogenic or benign to our knowledge